The following is an entry in ClinVar:

NM_000059.4(BRCA2):c.9777T>G (p.Ile3259Met)

Gene: BRCA2 (BRCA2 DNA repair associated; plus strand). Cytogenetic location: 13q13.1.
Variant type: single nucleotide variant.
Coding change: c.9777T>G on transcript NM_000059.4 (MANE Select); coding-DNA position 9777, T replaced by G.
Protein change: p.Ile3259Met; replaces isoleucine 3259 with methionine.
Molecular consequence: missense variant.
Genome position (GRCh38, 1-based): chr13:32,398,290, T>G. VCF-style: chr13-32398290-T-G. GRCh37 (hg19) VCF-style: chr13-32972427-T-G.
Other names: short protein forms I3259M.
Identifiers: ClinVar variation 433842 (VCV000433842.2), dbSNP rs1555289957, ClinGen allele CA387765868.

ClinVar aggregate classification (germline): Uncertain significance (0 of 4 stars; one submission).

Conditions:
Breast-ovarian cancer, familial, susceptibility to, 2 (BROVCA2). Also called: BRCA2 Hereditary Breast and Ovarian Cancer. Identifiers: Orphanet 145, MedGen C2675520, MONDO:0012933, OMIM 612555. Disease mechanism: loss of function.

Submission:

Department of Pathology and Laboratory Medicine, Sinai Health System
Classification: Uncertain significance for Breast-ovarian cancer, familial, susceptibility to, 2. Review status: no assertion criteria provided. Collection method: clinical testing. Allele origin: unknown. Affected: yes. Study: The Canadian Open Genetics Repository (COGR).
Comment: The BRCA2 p.Ile3259Met variant was not identified in the literature, nor was it identified in the dbSNP, NHLBI Exome Sequencing Project (Exome Variant Server), Exome Aggregation Consortium (ExAC), HGMD, LOVD, COSMIC, ClinVar, GeneInsight VariantWire, or BIC. In UMD the variant was identified (1X) with a co-occurring pathogenic BRCA1 variant (c.4327C>T p.Arg1443X), increasing the likelihood that the p.Ile3259Met variant does not have clinical significance. The p.Ile3259Met residue is not conserved in mammals and computational analyses (PolyPhen-2, SIFT, AlignGVGD, BLOSUM, MutationTaster) do not suggest a high likelihood of impact to the protein. However, this information is not predictive enough to rule out pathogenicity. In summary, based on the above information, the clinical significance of this variant cannot be determined with certainty at this time. This variant is classified as a variant of unknown significance.